The following is an entry in ClinVar:

ClinVar aggregate classification (germline): Uncertain significance (1 of 4 stars; one submission).

Conditions:
Hereditary spastic paraplegia 28. Also called: Spastic paraplegia 28, autosomal recessive. Identifiers: Orphanet 101008, MedGen C1836295, MONDO:0012256, OMIM 609340.

Allele frequency attached by ClinVar (database versions not stated): gnomAD exomes below 0.00001.
gnomAD v4.1: 1 of 1,612,070 alleles (0.000062%); highest among the groups gnomAD compares: South Asian, 0.0011%; no homozygotes.

Submission:

Labcorp Genetics (formerly Invitae), Labcorp
Classification: Uncertain significance for Hereditary spastic paraplegia 28. Last evaluated: 2020-01-31. Review status: criteria provided, single submitter. Criteria: Invitae Variant Classification Sherloc (09022015). Collection method: clinical testing. Allele origin: germline.
Comment: In summary, the available evidence is currently insufficient to determine the role of this variant in disease. Therefore, it has been classified as a Variant of Uncertain Significance. Algorithms developed to predict the effect of missense changes on protein structure and function (SIFT, PolyPhen-2, Align-GVGD) all suggest that this variant is likely to be tolerated, but these predictions have not been confirmed by published functional studies and their clinical significance is uncertain. This variant has not been reported in the literature in individuals with DDHD1-related conditions. This variant is not present in population databases (ExAC no frequency). This sequence change replaces glutamic acid with lysine at codon 87 of the DDHD1 protein (p.Glu87Lys). The glutamic acid residue is weakly conserved and there is a small physicochemical difference between glutamic acid and lysine.

NM_001160148.2(DDHD1):c.259G>A (p.Glu87Lys)

Gene: DDHD1 (DDHD domain containing 1; minus strand). Cytogenetic location: 14q22.1.
Variant type: single nucleotide variant.
Coding change: c.259G>A on transcript NM_001160148.2 (MANE Select); coding-DNA position 259, G replaced by A.
Protein change: p.Glu87Lys; replaces glutamic acid 87 with lysine.
Molecular consequence: missense variant.
Genome position (GRCh38, 1-based): chr14:53,152,840, C>T on the plus strand (G>A on the coding strand, the complement: DDHD1 is on the minus strand). VCF-style: chr14-53152840-C-T. GRCh37 (hg19) VCF-style: chr14-53619558-C-T.
Other names: c.259G>A, p.Glu87Lys (NM_001160147.2, NM_030637.3); short protein forms E87K.
Identifiers: ClinVar variation 1023194 (VCV001023194.8), dbSNP rs1891553460, ClinGen allele CA389781231.